The following is an entry in ClinVar:

ClinVar aggregate classification (germline): Pathogenic. Review status: criteria provided, multiple submitters, no conflicts (2 of 4 stars). 2 submissions from 2 submitters: Pathogenic (2). Last evaluated 2022-09-19.

Conditions:
Inborn genetic diseases. Identifiers: MedGen C0950123, MeSH D030342.
Deficiency of isobutyryl-CoA dehydrogenase. Also called: ACAD8 DEFICIENCY; ACYL-CoA DEHYDROGENASE FAMILY, MEMBER 8, DEFICIENCY OF; IBD DEFICIENCY. Identifiers: Orphanet 79159, MedGen C1969809, MONDO:0012648, OMIM 611283.

Allele frequency attached by ClinVar (database versions not stated): TOPMed 0.00001; gnomAD 0.00003; ESP Exome Variant Server 0.00008.
gnomAD v4.1: 20 of 1,613,996 alleles (0.0012%); highest among the groups gnomAD compares: African/African-American, 0.0093%; no homozygotes.

Submissions (2):

Ambry Genetics
Classification: Pathogenic for Inborn genetic diseases. Last evaluated: 2022-09-19. Review status: criteria provided, single submitter. Criteria: Ambry Variant Classification Scheme 2023. Collection method: clinical testing. Allele origin: germline.
Comment: The c.616C>T (p.R206*) alteration, located in exon 6 (coding exon 6) of the ACAD8 gene, consists of a C to T substitution at nucleotide position 616. This changes the amino acid from a arginine (R) to a stop codon at amino acid position 206. This alteration is expected to result in loss of function by premature protein truncation or nonsense-mediated mRNA decay. Based on data from gnomAD, the T allele has an overall frequency of <0.01% (1/251492) total alleles studied. The highest observed frequency was <0.01% (1/113768) of European (non-Finnish) alleles. Based on the available evidence, this alteration is classified as pathogenic.

Labcorp Genetics (formerly Invitae), Labcorp
Classification: Pathogenic for Deficiency of isobutyryl-CoA dehydrogenase. Last evaluated: 2022-07-19. Review status: criteria provided, single submitter. Criteria: Invitae Variant Classification Sherloc (09022015). Collection method: clinical testing. Allele origin: germline.
Comment: For these reasons, this variant has been classified as Pathogenic. This variant has not been reported in the literature in individuals affected with ACAD8-related conditions. This variant is present in population databases (rs369445365, gnomAD 0.0009%). This sequence change creates a premature translational stop signal (p.Arg206*) in the ACAD8 gene. It is expected to result in an absent or disrupted protein product. Loss-of-function variants in ACAD8 are known to be pathogenic (PMID: 16857760).

Literature cited by the submitters: PubMed 16857760 (cited by Labcorp Genetics (formerly Invitae), Labcorp).

NM_014384.3(ACAD8):c.616C>T (p.Arg206Ter)

Gene: ACAD8 (acyl-CoA dehydrogenase family member 8; plus strand). Cytogenetic location: 11q25.
Variant type: single nucleotide variant.
Coding change: c.616C>T on transcript NM_014384.3 (MANE Select); coding-DNA position 616, C replaced by T.
Protein change: p.Arg206Ter; replaces arginine 206 with a stop codon.
Molecular consequence: nonsense.
Genome position (GRCh38, 1-based): chr11:134,259,656, C>T. VCF-style: chr11-134259656-C-T. GRCh37 (hg19) VCF-style: chr11-134129550-C-T.
Other names: short protein forms R206*.
Identifiers: ClinVar variation 2074051 (VCV002074051.5), dbSNP rs369445365, ClinGen allele CA231276841.